The following is an entry in ClinVar:

NM_014845.6(FIG4):c.1693C>T (p.Gln565Ter)

Gene: FIG4 (FIG4 phosphoinositide 5-phosphatase; plus strand). Cytogenetic location: 6q21.
Variant type: single nucleotide variant.
Coding change: c.1693C>T on transcript NM_014845.6 (MANE Select); coding-DNA position 1693, C replaced by T.
Protein change: p.Gln565Ter; replaces glutamine 565 with a stop codon.
Molecular consequence: nonsense.
Genome position (GRCh38, 1-based): chr6:109,766,838, C>T. VCF-style: chr6-109766838-C-T. GRCh37 (hg19) VCF-style: chr6-110088041-C-T.
Other names: short protein forms Q565*.
Identifiers: ClinVar variation 3571804 (VCV003571804.1).

ClinVar aggregate classification (germline): Likely pathogenic (1 of 4 stars; one submission).

Submission:

Athena Diagnostics
Classification: Likely pathogenic. Last evaluated: 2023-11-10. Review status: criteria provided, single submitter. Criteria: Athena Diagnostics Criteria. Collection method: clinical testing. Allele origin: unknown.
Comment: This variant is expected to result in the loss of a functional protein. This variant has not been reported in large, multi-ethnic general populations.